The following is an entry in ClinVar:

ClinVar aggregate classification (germline): Uncertain significance (1 of 4 stars; one submission).

Conditions:
D-2-hydroxyglutaric aciduria 2 (D2HGA2). Identifiers: Orphanet 79315, MedGen C3150909, MONDO:0013345, OMIM 613657.

Submission:

Labcorp Genetics (formerly Invitae), Labcorp
Classification: Uncertain significance for D-2-hydroxyglutaric aciduria 2. Last evaluated: 2024-11-06. Review status: criteria provided, single submitter. Criteria: Invitae Variant Classification Sherloc (09022015). Collection method: clinical testing. Allele origin: germline.
Comment: This sequence change replaces arginine, which is basic and polar, with proline, which is neutral and non-polar, at codon 122 of the IDH2 protein (p.Arg122Pro). This variant is not present in population databases (gnomAD no frequency). This variant has not been reported in the literature in individuals affected with IDH2-related conditions. Invitae Evidence Modeling of protein sequence and biophysical properties (such as structural, functional, and spatial information, amino acid conservation, physicochemical variation, residue mobility, and thermodynamic stability) indicates that this missense variant is expected to disrupt IDH2 protein function with a positive predictive value of 80%. In summary, the available evidence is currently insufficient to determine the role of this variant in disease. Therefore, it has been classified as a Variant of Uncertain Significance.

NM_002168.4(IDH2):c.365G>C (p.Arg122Pro)

Gene: IDH2 (isocitrate dehydrogenase (NADP(+)) 2; minus strand). Cytogenetic location: 15q26.1.
Variant type: single nucleotide variant.
Coding change: c.365G>C on transcript NM_002168.4 (MANE Select); coding-DNA position 365, G replaced by C.
Protein change: p.Arg122Pro; replaces arginine 122 with proline.
Molecular consequence: missense variant. On other transcripts: intron variant (1).
Genome position (GRCh38, 1-based): chr15:90,090,487, C>G on the plus strand (G>C on the coding strand, the complement: IDH2 is on the minus strand). VCF-style: chr15-90090487-C-G. GRCh37 (hg19) VCF-style: chr15-90633719-C-G.
Other names: c.209G>C, p.Arg70Pro (NM_001289910.1); c.-17-1740G>C (NM_001290114.2); short protein forms R70P, R122P.
Identifiers: ClinVar variation 3711956 (VCV003711956.2).
Genomic context (GRCh38, chr15:90,090,487, plus strand): 5'-GTGGGAGAAGCCTGTGACCCTCCCTGGCCCGCCCACCTCCACACCCTCGCACCTTCCACA[C>G]GGGCCTCATCAGGGGTGATGGTGGCACACTTGACAGCCACACTGTACTTCTGGGTGGCCA-3'
Protein context (NP_002159.2, residues 112-132): KCATITPDEA[Arg122Pro]VEEFKLKKMW